The following is an entry in ClinVar:

ClinVar aggregate classification (germline): Uncertain significance (1 of 4 stars; one submission).

Allele frequency attached by ClinVar (database versions not stated): TOPMed below 0.00001.

Submission:

Labcorp Genetics (formerly Invitae), Labcorp
Classification: Uncertain significance. Last evaluated: 2022-08-21. Review status: criteria provided, single submitter. Criteria: Invitae Variant Classification Sherloc (09022015). Collection method: clinical testing. Allele origin: germline.
Comment: In summary, the available evidence is currently insufficient to determine the role of this variant in disease. Therefore, it has been classified as a Variant of Uncertain Significance. Algorithms developed to predict the effect of missense changes on protein structure and function are either unavailable or do not agree on the potential impact of this missense change (SIFT: "Tolerated"; PolyPhen-2: "Possibly Damaging"; Align-GVGD: "Class C0"). This variant has not been reported in the literature in individuals affected with MYO5B-related conditions. This variant is not present in population databases (gnomAD no frequency). This sequence change replaces leucine, which is neutral and non-polar, with methionine, which is neutral and non-polar, at codon 930 of the MYO5B protein (p.Leu930Met).

NM_001080467.3(MYO5B):c.2788C>A (p.Leu930Met)

Gene: MYO5B (myosin VB; minus strand). Cytogenetic location: 18q21.1.
Variant type: single nucleotide variant.
Coding change: c.2788C>A on transcript NM_001080467.3 (MANE Select); coding-DNA position 2788, C replaced by A.
Protein change: p.Leu930Met; replaces leucine 930 with methionine.
Molecular consequence: missense variant.
Genome position (GRCh38, 1-based): chr18:49,902,617, G>T on the plus strand (C>A on the coding strand, the complement: MYO5B is on the minus strand). VCF-style: chr18-49902617-G-T. GRCh37 (hg19) VCF-style: chr18-47428987-G-T.
Other names: short protein forms L930M.
Identifiers: ClinVar variation 1717519 (VCV001717519.5), dbSNP rs2024854580, ClinGen allele CA402432193.
Genomic context (GRCh38, chr18:49,902,617, plus strand): 5'-GCCCCCGACACCCAGGTAGGGAGCTGCAGACACTGACCTGCTCATCGATCTTCCGCTGCA[G>T]CTGGACCACCTTGTTCTCCATGCCCACGTTGAGACGTTTCAGATGCTCTGCTGAGCGGGC-3'
Protein context (NP_001073936.1, residues 920-940): NVGMENKVVQ[Leu930Met]QRKIDEQNKE